The following is an entry in ClinVar:

ClinVar aggregate classification (germline): Uncertain significance. Review status: criteria provided, multiple submitters, no conflicts (2 of 4 stars). 2 submissions from 2 submitters: Uncertain significance (2). Last evaluated 2025-11-08.

Conditions:
Inborn genetic diseases. Identifiers: MedGen C0950123, MeSH D030342.

gnomAD v4.1: 1 of 1,210,507 alleles (0.000083%); no homozygotes.

Submissions (2):

Labcorp Genetics (formerly Invitae), Labcorp
Classification: Uncertain significance. Last evaluated: 2025-11-08. Review status: criteria provided, single submitter. Criteria: Invitae Variant Classification Sherloc (09022015). Collection method: clinical testing. Allele origin: germline.
Comment: This sequence change replaces isoleucine, which is neutral and non-polar, with asparagine, which is neutral and polar, at codon 192 of the PIH1D3 protein (p.Ile192Asn). This variant is not present in population databases (gnomAD no frequency). This variant has not been reported in the literature in individuals affected with PIH1D3-related conditions. ClinVar contains an entry for this variant (Variation ID: 3502916). An algorithm developed to predict the effect of missense changes on protein structure and function (PolyPhen-2) suggests that this variant is likely to be tolerated. In summary, the available evidence is currently insufficient to determine the role of this variant in disease. Therefore, it has been classified as a Variant of Uncertain Significance.

Ambry Genetics
Classification: Uncertain significance for Inborn genetic diseases. Last evaluated: 2024-09-02. Review status: criteria provided, single submitter. Criteria: Ambry Variant Classification Scheme 2023. Collection method: clinical testing. Allele origin: germline.

NM_173494.2(DNAAF6):c.575T>A (p.Ile192Asn)

Gene: DNAAF6 (dynein axonemal assembly factor 6; plus strand). Cytogenetic location: Xq22.3.
Variant type: single nucleotide variant.
Coding change: c.575T>A on transcript NM_173494.2 (MANE Select); coding-DNA position 575, T replaced by A.
Protein change: p.Ile192Asn; replaces isoleucine 192 with asparagine.
Molecular consequence: missense variant.
Genome position (GRCh38, 1-based): chrX:107,243,228, T>A. VCF-style: chrX-107243228-T-A. GRCh37 (hg19) VCF-style: chrX-106486458-T-A.
Other names: c.575T>A, p.Ile192Asn (NM_001169154.2); short protein forms I192N.
Identifiers: ClinVar variation 3502916 (VCV003502916.2).